The following is an entry in ClinVar:

ClinVar aggregate classification (germline): Benign/Likely benign. Review status: criteria provided, multiple submitters, no conflicts (2 of 4 stars). 5 submissions from 5 submitters: Benign (1); Likely benign (3). 1 of the submissions does not count toward it. Last evaluated 2024-11-21.

Conditions:
TRIO-related disorder. Also called: TRIO-related disorders; TRIO-related condition.

Allele frequency attached by ClinVar (database versions not stated): gnomAD exomes 0.00035 and 0.00130; ExAC 0.00223; ESP Exome Variant Server 0.00447; gnomAD 0.00458 and 0.00488; 1000 Genomes Project 0.00459; TOPMed 0.00510; 1000 Genomes Project 30x 0.00515.
gnomAD v4.1: 1,154 of 1,407,548 alleles (0.082%); highest among the groups gnomAD compares: African/African-American, 1.5%; 3 homozygotes.

Submissions (5):

Blueprint Genetics
Classification: Likely benign. Last evaluated: 2024-11-21. Review status: criteria provided, single submitter. Criteria: ACMG Guidelines, 2015. Collection method: clinical testing. Allele origin: germline.

GeneDx
Classification: Likely benign. Last evaluated: 2022-03-04. Review status: criteria provided, single submitter. Criteria: GeneDx Variant Classification Process June 2021. Collection method: clinical testing. Allele origin: germline. Affected: yes.

Labcorp Genetics (formerly Invitae), Labcorp
Classification: Benign. Last evaluated: 2019-12-31. Review status: criteria provided, single submitter. Criteria: Invitae Variant Classification Sherloc (09022015). Collection method: clinical testing. Allele origin: germline.

Breakthrough Genomics
Classification: Likely benign. Review status: criteria provided, single submitter. Criteria: ACMG Guidelines, 2015. Collection method: not provided. Allele origin: germline. Inheritance: Autosomal dominant inheritance. Affected: yes.

PreventionGenetics, part of Exact Sciences
Classification: Benign for TRIO-related condition. Last evaluated: 2023-03-31. Review status: no assertion criteria provided. Collection method: clinical testing. Allele origin: germline. Not counted in ClinVar's aggregate classification.
Comment: This variant is classified as benign based on ACMG/AMP sequence variant interpretation guidelines (Richards et al. 2015 PMID: 25741868, with internal and published modifications).

NM_007118.4(TRIO):c.7115C>T (p.Pro2372Leu)

Gene: TRIO (trio Rho guanine nucleotide exchange factor; plus strand). Cytogenetic location: 5p15.2.
Variant type: single nucleotide variant.
Coding change: c.7115C>T on transcript NM_007118.4 (MANE Select); coding-DNA position 7115, C replaced by T.
Protein change: p.Pro2372Leu; replaces proline 2372 with leucine.
Molecular consequence: missense variant.
Genome position (GRCh38, 1-based): chr5:14,487,743, C>T. VCF-style: chr5-14487743-C-T. GRCh37 (hg19) VCF-style: chr5-14487852-C-T.
Other names: short protein forms P2372L.
Identifiers: ClinVar variation 787811 (VCV000787811.12), dbSNP rs199631028, ClinGen allele CA3207331.